The following is an entry in ClinVar:

ClinVar aggregate classification (germline): Pathogenic (3 of 4 stars; one submission).

Conditions:
Autosomal recessive limb-girdle muscular dystrophy. Identifiers: Orphanet 102015, MedGen C2931907, MONDO:0015152.

Submission:

ClinGen Limb Girdle Muscular Dystrophy Variant Curation Expert Panel, ClinGen
Classification: Pathogenic for Autosomal recessive limb-girdle muscular dystrophy. Last evaluated: 2025-10-29. Review status: reviewed by expert panel. Criteria: ClinGen LGMD VCEP ACMG Specifications DYSF V2.0.0. Collection method: curation. Allele origin: germline. Inheritance: Autosomal recessive inheritance.
Comment: The NC_000002.12: g.71679006_71679285del (GRCh38) variant is a deletion that encompasses exon 52 of the DYSF gene, NM_003494.4: c.5768_5946del. Exon 52 is out of frame, and RNAseq analysis in an individuals heterozygous for this deletion demonstrated skipping of exon 52 or skipping of exons 52 and 53, both leading to a frameshift and premature truncation, p.Ser1924GlnfsTer13 and p.Ser1924AlafsTer16, respectively (PMID: 36983702; PVS1). This variant has been reported in unconfirmed phase with a stop-gained variant in an individual with suspected LGMD (NM_003494.4: c.1834C>T p.(Gln612Ter), PMID: 36983702). In addition, two similar deletions of exon 52 with slightly different breakends have been reported confirmed in trans in individuals with features consistent with LGMD (NM_003494.4: c.2875C>T p.(Arg959Trp), 1.0 pt; c.1663C>T p.(Arg555Trp), 1.0 pt; PMID: 36983702) (PM3_Strong). The upper bound of the 95% confidence interval of the Grpmax variant allele frequency of a similar deletion of DYSF exon 52 is 0.0001779 (5/59088 European (non-Finnish) genome chromosomes) in gnomAD SVs v4.1.0, which is greater than the LGMD VCEP threshold (≤0.0001) (PM2_Supporting not met). In summary, this variant meets the criteria to be classified as Pathogenic for autosomal recessive limb girdle muscular dystrophy based on the ACMG/AMP criteria applied, as specified by the ClinGen LGMD VCEP (LGMD VCEP specifications version 2.0.0; 10/29/2025): PVS1, PM3_Strong, PP4_Strong.

NM_001130987.2(DYSF):c.5885-51_6063+50del

Gene: DYSF (dysferlin; plus strand). Cytogenetic location: 2p13.2.
Variant type: Deletion.
Coding change: c.5885-51_6063+50del on transcript NM_001130987.2 (MANE Select); 51 bases into the intron before coding-DNA position 5885 through 50 bases into the intron after coding-DNA position 6063, 280 bases deleted.
Molecular consequence: splice acceptor variant, splice donor variant.
Genome position (GRCh38, 1-based): chr2:71,679,006-71,679,285, 280 bases deleted. GRCh37 (hg19): chr2:71,906,136-71,906,415.
Other names: NM_003494.4:c.5768-51_5946+50del; c.5861-51_6039+50del (NM_001130979.2); c.5882-51_6060+50del (NM_001130981.2); c.5819-51_5997+50del (NM_001130980.2); c.5831-51_6009+50del (NM_001130978.2); c.5768-51_5946+50del (NM_003494.4); c.5789-51_5967+50del (NM_001130977.2); c.5726-51_5904+50del (NM_001130976.2); and 6 more.
Identifiers: ClinVar variation 4684971 (VCV004684971.1).